The following is an entry in ClinVar:

ClinVar aggregate classification (germline): Uncertain significance. Review status: criteria provided, multiple submitters, no conflicts (2 of 4 stars). 3 submissions from 3 submitters: Uncertain significance (3). Last evaluated 2025-09-14.

Allele frequency attached by ClinVar (database versions not stated): gnomAD exomes 0.00001.
gnomAD v4.1: 12 of 1,614,262 alleles (0.00074%); highest among the groups gnomAD compares: Non-Finnish European, 0.001%; no homozygotes.

Submissions (3):

Labcorp Genetics (formerly Invitae), Labcorp
Classification: Uncertain significance. Last evaluated: 2025-09-14. Review status: criteria provided, single submitter. Criteria: Invitae Variant Classification Sherloc (09022015). Collection method: clinical testing. Allele origin: germline.
Comment: This sequence change replaces cysteine, which is neutral and slightly polar, with serine, which is neutral and polar, at codon 140 of the RHO protein (p.Cys140Ser). This variant is not present in population databases (gnomAD no frequency). This missense change has been observed in individual(s) with retinitis pigmentosa (PMID: 8317502). ClinVar contains an entry for this variant (Variation ID: 1488964). Invitae Evidence Modeling of protein sequence and biophysical properties (such as structural, functional, and spatial information, amino acid conservation, physicochemical variation, residue mobility, and thermodynamic stability) has been performed for this missense variant. However, the output from this modeling did not meet the statistical confidence thresholds required to predict the impact of this variant on RHO protein function. In summary, the available evidence is currently insufficient to determine the role of this variant in disease. Therefore, it has been classified as a Variant of Uncertain Significance.

Dasa
Classification: Uncertain significance. Last evaluated: 2025-05-19. Review status: criteria provided, single submitter. Criteria: DASA Assertion Criteria. Collection method: clinical testing. Allele origin: germline.
Comment: NM_000539.3(RHO):c.419G>C (p.Cys140Ser) is a missense variant that results in the substitution of cysteine with serine. This variant has been observed in affected individuals with RHO-related disorders. Also, this variant is rare in population databases. Computational prediction algorithms are consistent with a deleterious effect. The currently available literature and clinical evidence are not sufficient to establish a definitive association between this variant and the reported condition. Therefore, this variant is classified as a variant of uncertain significance.

Blueprint Genetics
Classification: Uncertain significance. Last evaluated: 2019-09-23. Review status: criteria provided, single submitter. Criteria: ACMG Guidelines, 2015. Collection method: clinical testing. Allele origin: germline.

Literature cited by the submitters: PubMed 8317502 (cited by Labcorp Genetics (formerly Invitae), Labcorp).

NM_000539.3(RHO):c.419G>C (p.Cys140Ser)

Gene: RHO (rhodopsin; plus strand). Cytogenetic location: 3q22.1.
Variant type: single nucleotide variant.
Coding change: c.419G>C on transcript NM_000539.3 (MANE Select); coding-DNA position 419, G replaced by C.
Protein change: p.Cys140Ser; replaces cysteine 140 with serine.
Molecular consequence: missense variant.
Genome position (GRCh38, 1-based): chr3:129,530,933, G>C. VCF-style: chr3-129530933-G-C. GRCh37 (hg19) VCF-style: chr3-129249776-G-C.
Other names: short protein forms C140S.
Identifiers: ClinVar variation 1488964 (VCV001488964.11), dbSNP rs2084775122, ClinGen allele CA354498130.